The following is an entry in ClinVar:

ClinVar aggregate classification (germline): Uncertain significance. Review status: criteria provided, multiple submitters, no conflicts (2 of 4 stars). 2 submissions from 2 submitters: Uncertain significance (2). Last evaluated 2024-10-28.

Conditions:
Carney complex, type 1 (CNC1). Also called: CARNEY MYXOMA-ENDOCRINE COMPLEX; CARNEY COMPLEX, TYPE I. Identifiers: Orphanet 1359, MedGen C2607929, MONDO:0008057, OMIM 160980.
Hereditary cancer-predisposing syndrome. Also called: Hereditary neoplastic syndrome; Hereditary Cancer Syndrome; Neoplastic Syndromes, Hereditary; Tumor predisposition. Identifiers: Orphanet 140162, MedGen C0027672, MeSH D009386, MONDO:0015356.

Submissions (2):

Ambry Genetics
Classification: Uncertain significance for Hereditary cancer-predisposing syndrome. Last evaluated: 2024-10-28. Review status: criteria provided, single submitter. Criteria: Ambry Variant Classification Scheme 2023. Collection method: clinical testing. Allele origin: germline.
Comment: The p.K134M variant (also known as c.401A>T), located in coding exon 3 of the PRKAR1A gene, results from an A to T substitution at nucleotide position 401. The lysine at codon 134 is replaced by methionine, an amino acid with similar properties. This amino acid position is conserved. In addition, this alteration is predicted to be deleterious by in silico analysis. Based on the available evidence, the clinical significance of this variant remains unclear.

Labcorp Genetics (formerly Invitae), Labcorp
Classification: Uncertain significance for Carney complex, type 1. Last evaluated: 2023-10-27. Review status: criteria provided, single submitter. Criteria: Invitae Variant Classification Sherloc (09022015). Collection method: clinical testing. Allele origin: germline.
Comment: This sequence change replaces lysine, which is basic and polar, with methionine, which is neutral and non-polar, at codon 134 of the PRKAR1A protein (p.Lys134Met). This variant is not present in population databases (gnomAD no frequency). This variant has not been reported in the literature in individuals affected with PRKAR1A-related conditions. Advanced modeling of protein sequence and biophysical properties (such as structural, functional, and spatial information, amino acid conservation, physicochemical variation, residue mobility, and thermodynamic stability) performed at Invitae indicates that this missense variant is expected to disrupt PRKAR1A protein function with a positive predictive value of 80%. In summary, the available evidence is currently insufficient to determine the role of this variant in disease. Therefore, it has been classified as a Variant of Uncertain Significance.

NM_002734.5(PRKAR1A):c.401A>T (p.Lys134Met)

Gene: PRKAR1A (protein kinase cAMP-dependent type I regulatory subunit alpha; plus strand). Cytogenetic location: 17q24.2.
Variant type: single nucleotide variant.
Coding change: c.401A>T on transcript NM_002734.5 (MANE Select); coding-DNA position 401, A replaced by T.
Protein change: p.Lys134Met; replaces lysine 134 with methionine.
Molecular consequence: missense variant.
Genome position (GRCh38, 1-based): chr17:68,523,777, A>T. VCF-style: chr17-68523777-A-T. GRCh37 (hg19) VCF-style: chr17-66519918-A-T.
Other names: c.401A>T, p.Lys134Met (NM_001276289.2, NM_001276290.1, NM_001278433.2 and 4 more transcripts); c.401A>T (NM_002734.3); short protein forms K134M.
Identifiers: ClinVar variation 2771982 (VCV002771982.4), dbSNP rs2509405003, ClinGen allele CA400752663.